The following is an entry in ClinVar:

NM_000455.5(STK11):c.439C>A (p.Arg147Ser)

Gene: STK11 (serine/threonine kinase 11; plus strand). Cytogenetic location: 19p13.3.
Variant type: single nucleotide variant.
Coding change: c.439C>A on transcript NM_000455.5 (MANE Select); coding-DNA position 439, C replaced by A.
Protein change: p.Arg147Ser; replaces arginine 147 with serine.
Molecular consequence: missense variant.
Genome position (GRCh38, 1-based): chr19:1,219,388, C>A. VCF-style: chr19-1219388-C-A. GRCh37 (hg19) VCF-style: chr19-1219387-C-A.
Other names: short protein forms R147S.
Identifiers: ClinVar variation 1692441 (VCV001692441.1), dbSNP rs748464757, ClinGen allele CA402948320.

ClinVar aggregate classification (germline): Uncertain significance (1 of 4 stars; one submission).

Conditions:
Hereditary cancer-predisposing syndrome. Also called: Hereditary Cancer Syndrome; Hereditary neoplastic syndrome; Neoplastic Syndromes, Hereditary; Tumor predisposition. Identifiers: Orphanet 140162, MedGen C0027672, MeSH D009386, MONDO:0015356.

Submission:

Sema4
Classification: Uncertain significance for Hereditary cancer-predisposing syndrome. Last evaluated: 2021-12-27. Review status: criteria provided, single submitter. Criteria: Sema4 Curation Guidelines. Collection method: curation. Allele origin: germline.
Comment: The STK11 c.439C>A (p.R147S) variant has not been reported in the literature to our knowledge.This variant was not observed in the large and broad cohorts of the Genome Aggregation Database (PMID: 32461654). This variant has not been reported in ClinVar. Functional studies have not been performed, and in silico predictions of the variant's effect on protein function are inconclusive. The evidence is insufficient to meet ACMG/AMP criteria for classifying the variant as benign or pathogenic. Thus, the clinical significance of this variant is currently uncertain.